The following is an entry in ClinVar:

NM_001170629.2(CHD8):c.6525G>T (p.Lys2175Asn)

Gene: CHD8 (chromodomain helicase DNA binding protein 8; minus strand). Cytogenetic location: 14q11.2.
Variant type: single nucleotide variant.
Coding change: c.6525G>T on transcript NM_001170629.2 (MANE Select); coding-DNA position 6525, G replaced by T.
Protein change: p.Lys2175Asn; replaces lysine 2175 with asparagine.
Molecular consequence: missense variant.
Genome position (GRCh38, 1-based): chr14:21,392,753, C>A on the plus strand (G>T on the coding strand, the complement: CHD8 is on the minus strand). VCF-style: chr14-21392753-C-A. GRCh37 (hg19) VCF-style: chr14-21860912-C-A.
Other names: c.5688G>T, p.Lys1896Asn (NM_020920.4); short protein forms K2175N, K1896N.
Identifiers: ClinVar variation 2114700 (VCV002114700.4), dbSNP rs2501850298, ClinGen allele CA388878770.
Genomic context (GRCh38, chr14:21,392,753, plus strand): 5'-GTTGCCTGGCCCCAAAATTCCTCCTGTTACCATTTCCTGGCTCCTACGGCTAGAAGGCCA[C>A]TTCCCTGAGAGTACAGCCTGGCAGACGAGGTCAATACGGTTTATCAGGACACGATCCTGA-3'
Protein context (NP_001164100.1, residues 2165-2185): DLVCQAVLSG[Lys2175Asn]WPSSRRSQEM

ClinVar aggregate classification (germline): Uncertain significance (1 of 4 stars; one submission).

Allele frequency attached by ClinVar (database versions not stated): gnomAD exomes below 0.00001.
gnomAD v4.1: 1 of 1,613,988 alleles (0.000062%); highest among the groups gnomAD compares: Non-Finnish European, 0.000085%; no homozygotes.

Submission:

Labcorp Genetics (formerly Invitae), Labcorp
Classification: Uncertain significance. Last evaluated: 2022-06-08. Review status: criteria provided, single submitter. Criteria: Invitae Variant Classification Sherloc (09022015). Collection method: clinical testing. Allele origin: germline.
Comment: This sequence change replaces lysine, which is basic and polar, with asparagine, which is neutral and polar, at codon 2175 of the CHD8 protein (p.Lys2175Asn). This variant is not present in population databases (gnomAD no frequency). This variant has not been reported in the literature in individuals affected with CHD8-related conditions. Algorithms developed to predict the effect of missense changes on protein structure and function (SIFT, PolyPhen-2, Align-GVGD) all suggest that this variant is likely to be tolerated. In summary, the available evidence is currently insufficient to determine the role of this variant in disease. Therefore, it has been classified as a Variant of Uncertain Significance.